The following is an entry in ClinVar:

ClinVar aggregate classification (germline): Uncertain significance (1 of 4 stars; one submission).

Allele frequency attached by ClinVar (database versions not stated): gnomAD exomes below 0.00001; gnomAD 0.00001; ExAC 0.00002; TOPMed 0.00002; ESP Exome Variant Server 0.00008.
gnomAD v4.1: 6 of 1,614,066 alleles (0.00037%); highest among the groups gnomAD compares: African/African-American, 0.008%; no homozygotes.

Submission:

Mayo Clinic Laboratories, Mayo Clinic
Classification: Uncertain significance. Last evaluated: 2022-03-25. Review status: criteria provided, single submitter. Criteria: ACMG Guidelines, 2015. Collection method: clinical testing. Allele origin: germline. Observed: 1 variant allele.
Comment: PP3, PM2

NM_001349206.2(LPIN1):c.2102T>G (p.Ile701Ser)

Gene: LPIN1 (lipin 1; plus strand). Cytogenetic location: 2p25.1.
Variant type: single nucleotide variant.
Coding change: c.2102T>G on transcript NM_001349206.2 (MANE Select); coding-DNA position 2102, T replaced by G.
Protein change: p.Ile701Ser; replaces isoleucine 701 with serine.
Molecular consequence: missense variant. On other transcripts: non-coding transcript variant (1).
Genome position (GRCh38, 1-based): chr2:11,804,511, T>G. VCF-style: chr2-11804511-T-G. GRCh37 (hg19) VCF-style: chr2-11944637-T-G.
Other names: p.Ile665Ser; c.2012T>G, p.Ile671Ser (NM_001261427.3); c.2249T>G, p.Ile750Ser (NM_001261428.3); c.1994T>G, p.Ile665Ser (NM_001349199.2, NM_145693.4); c.2072T>G, p.Ile691Ser (NM_001349200.2, NM_001349201.2); c.2099T>G, p.Ile700Ser (NM_001349202.2, NM_001349203.2); c.2102T>G, p.Ile701Ser (NM_001349204.2, NM_001349205.2); c.2192T>G, p.Ile731Ser (NM_001349207.2); and 1 more; short protein forms I665S, I671S, I691S, I700S, I701S, I714S, I731S, I750S.
Identifiers: ClinVar variation 2682732 (VCV002682732.1), dbSNP rs144054506, ClinGen allele CA1533995.